The following is an entry in ClinVar:

ClinVar aggregate classification (germline): Uncertain significance (1 of 4 stars; one submission).

Conditions:
Early-infantile DEE. Also called: Early infantile epileptic encephalopathy; Ohtahara syndrome; Early infantile epileptic encephalopathy with suppression bursts. Identifiers: Orphanet 1934, MedGen C0393706, MONDO:0800491.

Submission:

Labcorp Genetics (formerly Invitae), Labcorp
Classification: Uncertain significance for Early-infantile DEE. Last evaluated: 2021-05-05. Review status: criteria provided, single submitter. Criteria: Invitae Variant Classification Sherloc (09022015). Collection method: clinical testing. Allele origin: germline.
Comment: In summary, the available evidence is currently insufficient to determine the role of this variant in disease. Therefore, it has been classified as a Variant of Uncertain Significance. Algorithms developed to predict the effect of sequence changes on RNA splicing suggest that this variant may create or strengthen a splice site, but this prediction has not been confirmed by published transcriptional studies. Algorithms developed to predict the effect of missense changes on protein structure and function (SIFT, PolyPhen-2, Align-GVGD) all suggest that this variant is likely to be disruptive, but these predictions have not been confirmed by published functional studies and their clinical significance is uncertain. This variant has been observed in individual(s) with clinical features of HCN1-related conditions (PMID: 30351409). This variant is not present in population databases (ExAC no frequency). This sequence change replaces tyrosine with cysteine at codon 411 of the HCN1 protein (p.Tyr411Cys). The tyrosine residue is highly conserved and there is a large physicochemical difference between tyrosine and cysteine.

Literature cited by the submitters: PubMed 30351409.

NM_021072.4(HCN1):c.1232A>G (p.Tyr411Cys)

Gene: HCN1 (hyperpolarization activated cyclic nucleotide gated potassium channel 1; minus strand). Cytogenetic location: 5p12.
Variant type: single nucleotide variant.
Coding change: c.1232A>G on transcript NM_021072.4 (MANE Select); coding-DNA position 1232, A replaced by G.
Protein change: p.Tyr411Cys; replaces tyrosine 411 with cysteine.
Molecular consequence: missense variant.
Genome position (GRCh38, 1-based): chr5:45,353,245, T>C on the plus strand (A>G on the coding strand, the complement: HCN1 is on the minus strand). VCF-style: chr5-45353245-T-C. GRCh37 (hg19) VCF-style: chr5-45353347-T-C.
Other names: short protein forms Y411C.
Identifiers: ClinVar variation 1399330 (VCV001399330.9), dbSNP rs2111983203, ClinGen allele CA359702298.
Genomic context (GRCh38, chr5:45,353,245, plus strand): 5'-ATCTTCTGACGCATATCAGCTGGTAACTTATGGAATGACATGTATTGTTCCACTTGCTTA[T>C]ACTGTAAGGAAGGGAAAATAAAATTAAAAAAAAACATTGTTAGGGTGTATCAGAAATCAT-3'
Protein context (NP_066550.2, residues 401-421): DSSRRQYQEK[Tyr411Cys]KQVEQYMSFH